The following is an entry in ClinVar:

NM_173598.6(KSR2):c.648C>G (p.Pro216=)

Gene: KSR2 (kinase suppressor of ras 2; minus strand). Cytogenetic location: 12q24.23.
Variant type: single nucleotide variant.
Coding change: c.648C>G on transcript NM_173598.6 (MANE Select); coding-DNA position 648, C replaced by G.
Protein change: p.Pro216=; no amino-acid change (proline 216 retained).
Molecular consequence: synonymous variant.
Genome position (GRCh38, 1-based): chr12:117,761,349, G>C on the plus strand (C>G on the coding strand, the complement: KSR2 is on the minus strand). VCF-style: chr12-117761349-G-C. GRCh37 (hg19) VCF-style: chr12-118199154-G-C.
Identifiers: ClinVar variation 3029500 (VCV003029500.2), dbSNP rs374977823, ClinGen allele CA6816288.

ClinVar aggregate classification (germline): Likely benign (0 of 4 stars; one submission).

Conditions:
KSR2-related disorder. Also called: KSR2-related condition.

gnomAD v4.1: 1 of 1,584,470 alleles (0.000063%); highest among the groups gnomAD compares: Admixed American, 0.002%; no homozygotes.

Submission:

PreventionGenetics, part of Exact Sciences
Classification: Likely benign for KSR2-related condition. Last evaluated: 2021-12-16. Review status: no assertion criteria provided. Collection method: clinical testing. Allele origin: germline.
Comment: This variant is classified as likely benign based on ACMG/AMP sequence variant interpretation guidelines (Richards et al. 2015 PMID: 25741868, with internal and published modifications).